The following is an entry in ClinVar:

ClinVar aggregate classification (germline): Uncertain significance. Review status: criteria provided, multiple submitters, no conflicts (2 of 4 stars). 2 submissions from 2 submitters: Uncertain significance (2). Last evaluated 2025-11-11.

Conditions:
Inborn genetic diseases. Identifiers: MedGen C0950123, MeSH D030342.
Combined immunodeficiency due to LRBA deficiency. Also called: Common variable immunodeficiency 8, with autoimmunity. Identifiers: Orphanet 445018, MedGen C3553512, MONDO:0013863, OMIM 614700.

Allele frequency attached by ClinVar (database versions not stated): TOPMed 0.00002; gnomAD 0.00005 and 0.00004; gnomAD exomes 0.00004 and 0.00009; ExAC 0.00007.
gnomAD v4.1: 139 of 1,613,070 alleles (0.0086%); highest among the groups gnomAD compares: Non-Finnish European, 0.011%; no homozygotes.

Submissions (2):

Ambry Genetics
Classification: Uncertain significance for Inborn genetic diseases. Last evaluated: 2025-11-11. Review status: criteria provided, single submitter. Criteria: Ambry Variant Classification Scheme 2023. Collection method: clinical testing. Allele origin: germline.

Labcorp Genetics (formerly Invitae), Labcorp
Classification: Uncertain significance for Combined immunodeficiency due to LRBA deficiency. Last evaluated: 2022-09-26. Review status: criteria provided, single submitter. Criteria: Invitae Variant Classification Sherloc (09022015). Collection method: clinical testing. Allele origin: germline.
Comment: This sequence change replaces tyrosine, which is neutral and polar, with phenylalanine, which is neutral and non-polar, at codon 2656 of the LRBA protein (p.Tyr2656Phe). This variant is present in population databases (rs775871299, gnomAD 0.009%). This variant has not been reported in the literature in individuals affected with LRBA-related conditions. ClinVar contains an entry for this variant (Variation ID: 666085). Advanced modeling of protein sequence and biophysical properties (such as structural, functional, and spatial information, amino acid conservation, physicochemical variation, residue mobility, and thermodynamic stability) has been performed at Invitae for this missense variant, however the output from this modeling did not meet the statistical confidence thresholds required to predict the impact of this variant on LRBA protein function. In summary, the available evidence is currently insufficient to determine the role of this variant in disease. Therefore, it has been classified as a Variant of Uncertain Significance.

NM_001364905.1(LRBA):c.7934A>T (p.Tyr2645Phe)

Gene: LRBA (LPS responsive beige-like anchor protein; minus strand). Cytogenetic location: 4q31.3.
Variant type: single nucleotide variant.
Coding change: c.7934A>T on transcript NM_001364905.1 (MANE Select); coding-DNA position 7934, A replaced by T.
Protein change: p.Tyr2645Phe; replaces tyrosine 2645 with phenylalanine.
Molecular consequence: missense variant.
Genome position (GRCh38, 1-based): chr4:150,302,708, T>A on the plus strand (A>T on the coding strand, the complement: LRBA is on the minus strand). VCF-style: chr4-150302708-T-A. GRCh37 (hg19) VCF-style: chr4-151223860-T-A.
Other names: c.7934A>T, p.Tyr2645Phe (NM_001199282.3); c.7949A>T, p.Tyr2650Phe (NM_001367550.1); c.7967A>T, p.Tyr2656Phe (NM_006726.5); short protein forms Y2656F, Y2645F, Y2650F.
Identifiers: ClinVar variation 666085 (VCV000666085.8), dbSNP rs775871299, ClinGen allele CA3101481.
Genomic context (GRCh38, chr4:150,302,708, plus strand): 5'-CTGCATTTTCCATTCCAATACCACAGCAAAAGAGTTGCATCACGTGACCCTGAGAGAATG[T>A]AGCAATTTCCCCCAATATATGACTCAGAACGAGCAAGGCAAGTGACGACATCCCAATGGC-3'
Protein context (NP_001351834.1, residues 2635-2655): RSESYIGGNC[Tyr2645Phe]ILSGSRDATL